The following is an entry in ClinVar:

NM_001029883.3(PCARE):c.2474G>A (p.Gly825Glu)

Gene: PCARE (photoreceptor cilium actin regulator; minus strand). Cytogenetic location: 2p23.2.
Variant type: single nucleotide variant.
Coding change: c.2474G>A on transcript NM_001029883.3 (MANE Select); coding-DNA position 2474, G replaced by A.
Protein change: p.Gly825Glu; replaces glycine 825 with glutamic acid.
Molecular consequence: missense variant.
Genome position (GRCh38, 1-based): chr2:29,071,788, C>T on the plus strand (G>A on the coding strand, the complement: PCARE is on the minus strand). VCF-style: chr2-29071788-C-T. GRCh37 (hg19) VCF-style: chr2-29294654-C-T.
Other names: short protein forms G825E.
Identifiers: ClinVar variation 1515170 (VCV001515170.5), dbSNP rs370416838, ClinGen allele CA1592198.

ClinVar aggregate classification (germline): Uncertain significance (1 of 4 stars; one submission).

Allele frequency attached by ClinVar (database versions not stated): gnomAD 0.00001; gnomAD exomes 0.00001; TOPMed 0.00002; ESP Exome Variant Server 0.00008; ExAC 0.00002.
gnomAD v4.1: 16 of 1,613,522 alleles (0.00099%); highest among the groups gnomAD compares: Non-Finnish European, 0.0014%; no homozygotes.

Submission:

Labcorp Genetics (formerly Invitae), Labcorp
Classification: Uncertain significance. Last evaluated: 2022-09-06. Review status: criteria provided, single submitter. Criteria: Invitae Variant Classification Sherloc (09022015). Collection method: clinical testing. Allele origin: germline.
Comment: This sequence change replaces glycine, which is neutral and non-polar, with glutamic acid, which is acidic and polar, at codon 825 of the PCARE protein (p.Gly825Glu). This variant is present in population databases (rs370416838, gnomAD 0.004%). This variant has not been reported in the literature in individuals affected with PCARE-related conditions. ClinVar contains an entry for this variant (Variation ID: 1515170). Algorithms developed to predict the effect of missense changes on protein structure and function output the following: SIFT: "Tolerated"; PolyPhen-2: "Benign"; Align-GVGD: "Class C0". The glutamic acid amino acid residue is found in multiple mammalian species, which suggests that this missense change does not adversely affect protein function. In summary, the available evidence is currently insufficient to determine the role of this variant in disease. Therefore, it has been classified as a Variant of Uncertain Significance.